The following is an entry in ClinVar:

NM_015346.4(ZFYVE26):c.4592del (p.Pro1531fs)

Gene: ZFYVE26 (zinc finger FYVE-type containing 26; minus strand). Cytogenetic location: 14q24.1.
Variant type: Deletion.
Coding change: c.4592del on transcript NM_015346.4 (MANE Select); coding-DNA position 4592, one base deleted (C; older notation c.4592delC).
Protein change: p.Pro1531fs; shifts the reading frame from proline 1531.
Molecular consequence: frameshift variant.
Genome position (GRCh38, 1-based): chr14:67,780,323, G deleted on the plus strand (C on the coding strand, the reverse complement: ZFYVE26 is on the minus strand); the first of 5 consecutive G bases (chr14:67,780,323-67,780,327); deleting any one gives the same sequence. VCF-style (leftmost placement, unchanged base first): chr14-67780322-TG-T. GRCh37 (hg19) VCF-style: chr14-68247039-TG-T.
Other names: short protein forms P1531fs.
Identifiers: ClinVar variation 1725105 (VCV001725105.2), dbSNP rs1566880361, ClinGen allele CA919441763.

ClinVar aggregate classification (germline): Likely pathogenic (1 of 4 stars; one submission).

Conditions:
Hereditary spastic paraplegia 15 (SPG15). Also called: SPASTIC PARAPLEGIA 15, AUTOSOMAL RECESSIVE; KJELLIN SYNDROME; SPASTIC PARAPLEGIA AND RETINAL DEGENERATION. Identifiers: Orphanet 100996, MedGen C1849128, MONDO:0010044, OMIM 270700.

Submission:

Myriad Genetics, Inc.
Classification: Likely pathogenic for Hereditary spastic paraplegia 15. Last evaluated: 2022-03-08. Review status: criteria provided, single submitter. Criteria: Myriad Women's Health Autosomal Recessive and X-Linked Classification Criteria (2021). Collection method: clinical testing. Allele origin: unknown.
Comment: NM_015346.3(ZFYVE26):c.4592delC(P1531Qfs*9) is expected to be pathogenic in the context of spastic paraplegia type 15. This variant is predicted to lead to an abnormal or absent protein product due to the creation of a premature termination codon in ZFYVE26, a gene where loss-of-function variants are known to be pathogenic. Please note: this variant was assessed in the context of healthy population screening.